The following is an entry in ClinVar:

NM_000237.3(LPL):c.430-6C>T

Gene: LPL (lipoprotein lipase; plus strand). Cytogenetic location: 8p21.3.
Variant type: single nucleotide variant.
Coding change: c.430-6C>T on transcript NM_000237.3 (MANE Select); 6 bases into the intron before coding-DNA position 430, C replaced by T.
Molecular consequence: intron variant.
Genome position (GRCh38, 1-based): chr8:19,953,304, C>T. VCF-style: chr8-19953304-C-T. GRCh37 (hg19) VCF-style: chr8-19810815-C-T.
Other names: p.?.
Identifiers: ClinVar variation 362408 (VCV000362408.19), dbSNP rs11570897, ClinGen allele CA4655423.

ClinVar aggregate classification (germline): Benign/Likely benign. Review status: criteria provided, multiple submitters, no conflicts (2 of 4 stars). 6 submissions from 6 submitters: Benign (4); Likely benign (2). Last evaluated 2026-02-04.

Allele frequency attached by ClinVar (database versions not stated): ESP Exome Variant Server 0.00069; gnomAD exomes 0.00221 and 0.00789; gnomAD 0.00432 and 0.00461; ExAC 0.00603; TOPMed 0.00628; 1000 Genomes Project 30x 0.00718; 1000 Genomes Project 0.00719.
gnomAD v4.1: 3,842 of 1,576,400 alleles (0.24%); highest among the groups gnomAD compares: Admixed American, 4.3%; 73 homozygotes.

Submissions (6):

Labcorp Genetics (formerly Invitae), Labcorp
Classification: Benign. Last evaluated: 2026-02-04. Review status: criteria provided, single submitter. Criteria: Invitae Variant Classification Sherloc (09022015). Collection method: clinical testing. Allele origin: germline.

Molecular Diagnostic Laboratory for Inherited Cardiovascular Disease, Montreal Heart Institute
Classification: Benign. Last evaluated: 2025-07-24. Review status: criteria provided, single submitter. Criteria: ACMG Guidelines, 2015. Collection method: clinical testing. Allele origin: germline. Affected: no.

Mayo Clinic Laboratories, Mayo Clinic
Classification: Benign. Last evaluated: 2023-08-17. Review status: criteria provided, single submitter. Criteria: ACMG Guidelines, 2015. Collection method: clinical testing. Allele origin: germline. Observed: 5 variant alleles.
Comment: BS1, BS2, BP4, BP7

GeneDx
Classification: Likely benign. Last evaluated: 2021-02-26. Review status: criteria provided, single submitter. Criteria: GeneDx Variant Classification Process June 2021. Collection method: clinical testing. Allele origin: germline. Affected: yes.
Comment: This variant is associated with the following publications: (PMID: 27055971, 9225235)

Women's Health and Genetics/Laboratory Corporation of America, LabCorp
Classification: Benign. Last evaluated: 2017-06-07. Review status: criteria provided, single submitter. Criteria: LabCorp Variant Classification Summary - May 2015. Collection method: clinical testing. Allele origin: germline.
Comment: Variant summary: The LPL c.430-6C>T variant involves the alteration of a non-conserved intronic nucleotide. 5/5 splice prediction tools predict no significant impact on normal splicing. This variant was found in 731/121160 control chromosomes (15 homozygotes) including ExAC, predominantly observed in the Latino subpopulation at a frequency of 0.051182 (589/11508). This frequency is about 15 times the estimated maximal expected allele frequency of a pathogenic LPL variant (0.0033541), thus this is likely a benign polymorphism found primarily in the populations of Latino origin. It has also been reported in hypertriglyceridemia patients but without evidence of causality and functional assay indicated that this variant does not affect gene splicing (Nakamura_1996). One clinical diagnostic laboratory (via ClinVar) has classified this variant as likely benign. Taken together, this variant is classified as benign.

Breakthrough Genomics
Classification: Likely benign. Review status: criteria provided, single submitter. Criteria: ACMG Guidelines, 2015. Collection method: not provided. Allele origin: germline. Inheritance: Autosomal recessive inheritance. Affected: yes.